The following is an entry in ClinVar:

ClinVar aggregate classification (germline): Likely benign. Review status: criteria provided, multiple submitters, no conflicts (2 of 4 stars). 2 submissions from 2 submitters: Likely benign (2). Last evaluated 2025-10-05.

Conditions:
Immunodeficiency. Identifiers: MedGen C0021051, MONDO:0021094, HP:0002721.

Allele frequency attached by ClinVar (database versions not stated): TOPMed below 0.00001; ExAC 0.00002; gnomAD exomes 0.00002 and 0.00004; gnomAD 0.00003.
gnomAD v4.1: 41 of 1,614,048 alleles (0.0025%); highest among the groups gnomAD compares: Non-Finnish European, 0.0024%; no homozygotes.

Submissions (2):

Labcorp Genetics (formerly Invitae), Labcorp
Classification: Likely benign for Immunodeficiency. Last evaluated: 2025-10-05. Review status: criteria provided, single submitter. Criteria: Invitae Variant Classification Sherloc (09022015). Collection method: clinical testing. Allele origin: germline.

CeGaT Center for Human Genetics Tuebingen
Classification: Likely benign. Last evaluated: 2022-04-01. Review status: criteria provided, single submitter. Criteria: CeGaT Center For Human Genetics Tuebingen Variant Classification Criteria Version 2. Collection method: clinical testing. Allele origin: germline. Affected: yes. Observed: 1 variant allele.
Comment: NFAT5: BP4

NM_138713.4(NFAT5):c.3111T>A (p.Pro1037=)

Gene: NFAT5 (nuclear factor of activated T cells 5; plus strand). Cytogenetic location: 16q22.1.
Variant type: single nucleotide variant.
Coding change: c.3111T>A on transcript NM_138713.4 (MANE Select); coding-DNA position 3111, T replaced by A.
Protein change: p.Pro1037=; no amino-acid change (proline 1037 retained).
Molecular consequence: synonymous variant.
Genome position (GRCh38, 1-based): chr16:69,692,936, T>A. VCF-style: chr16-69692936-T-A. GRCh37 (hg19) VCF-style: chr16-69726839-T-A.
Other names: c.3108T>A, p.Pro1036= (NM_001113178.3); c.2436T>A, p.Pro812= (NM_001367709.1); c.3057T>A, p.Pro1019= (NM_006599.4); c.2829T>A, p.Pro943= (NM_138714.4, NM_173214.3, NM_173215.3); c.3111T>A, p.Pro1037= (LRG_1332t1).
Identifiers: ClinVar variation 526784 (VCV000526784.34), dbSNP rs754416047, ClinGen allele CA8135849.
Genomic context (GRCh38, chr16:69,692,936, plus strand): 5'-GATTCAGAACAGTGTCTTTCAGACCATGGTCCAAATGCAACATAGTGGGGACAATCAACC[T>A]CAAGTTAACCTTTTTTCATCCACAAAAAGTATGATGAGTGTTCAGAATAGTGGTACCCAA-3'
Protein context (NP_619727.2, residues 1027-1047): VQMQHSGDNQ[Pro1037=]QVNLFSSTKS